The following is an entry in ClinVar:

ClinVar aggregate classification (germline): Uncertain significance. Review status: criteria provided, multiple submitters, no conflicts (2 of 4 stars). 11 submissions from 11 submitters: Uncertain significance (9). 2 of the submissions do not count toward it. Last evaluated 2025-08-01.

Conditions:
Cystic fibrosis (CF). Also called: MUCOVISCIDOSIS. Identifiers: Orphanet 586, MedGen C0010674, MONDO:0009061, OMIM 219700. Disease mechanism: loss of function.
CFTR-related disorder (CFTR-RD). Also called: CFTR-related disorders; CFTR-related condition. Identifiers: MedGen C5924204, MONDO:7770004.

Allele frequency attached by ClinVar (database versions not stated): ExAC 0.00003; gnomAD exomes 0.00004; TOPMed 0.00004.

Submissions (11):

CeGaT Center for Human Genetics Tuebingen
Classification: Uncertain significance. Last evaluated: 2025-08-01. Review status: criteria provided, single submitter. Criteria: CeGaT Center For Human Genetics Tuebingen Variant Classification Criteria Version 2. Collection method: clinical testing. Allele origin: germline. Affected: yes. Observed: 1 variant allele.
Comment: CFTR: PM2, PP3

Women's Health and Genetics/Laboratory Corporation of America, LabCorp
Classification: Uncertain significance. Last evaluated: 2025-02-28. Review status: criteria provided, single submitter. Criteria: LabCorp Variant Classification Summary - May 2015. Collection method: clinical testing. Allele origin: germline.
Comment: Variant summary: CFTR c.3121A>C (p.Lys1041Gln) results in a conservative amino acid change located in the ABC transporter type 1, transmembrane domain of the encoded protein sequence. Three of five in-silico tools predict a damaging effect of the variant on protein function. The variant allele was found at a frequency of 4e-05 in 250858 control chromosomes. This frequency is not significantly higher than estimated for a pathogenic variant in CFTR causing Chronic Pancreatitis Risk (4e-05 vs 0.0063), allowing no conclusion about variant significance. c.3121A>C has been reported in a non-peer reviewed abstract in an individual affected with Cystic Fibrosis (Nelemi_2017). This report does not provide unequivocal conclusions about association of the variant with Chronic Pancreatitis Risk/CF/CFTR-related disorder. One publication reports experimental evidence evaluating an impact on protein function, however, does not allow convincing conclusions about the variant effect (Li_2018). The following publications have been ascertained in the context of this evaluation (PMID: 29475947).ClinVar contains an entry for this variant (Variation ID: 439492). Based on the evidence outlined above, the variant was classified as uncertain significance.

Ambry Genetics
Classification: Uncertain significance for Cystic fibrosis. Last evaluated: 2024-01-05. Review status: criteria provided, single submitter. Criteria: Ambry Variant Classification Scheme 2023. Collection method: clinical testing. Allele origin: germline.
Comment: The p.K1041Q variant (also known as c.3121A>C), located in coding exon 19 of the CFTR gene, results from an A to C substitution at nucleotide position 3121. The lysine at codon 1041 is replaced by glutamine, an amino acid with similar properties. In one study, this variant showed a decrease in chloride conductance to 80% of wild type (Li MS et al. J. Biol. Chem., 2018 Apr;293:5649-5658). This amino acid position is highly conserved in available vertebrate species. In addition, the in silico prediction for this alteration is inconclusive. Based on available evidence to date, the clinical significance of this alteration remains unclear.

Quest Diagnostics Nichols Institute San Juan Capistrano
Classification: Uncertain significance. Last evaluated: 2022-12-28. Review status: criteria provided, single submitter. Criteria: Quest Diagnostics criteria. Collection method: clinical testing. Allele origin: unknown.
Comment: The frequency of this variant in the general population, 0.00029 (10/34494 chromosomes), is uninformative in assessment of its pathogenicity. In the published literature, the variant has been reported in a functional study which suggests the Lys1041 residue may be important for CFTR protein chloride channel function (PMID: 29475947 (2018), 25944907 (2015)). Analysis of this variant using bioinformatics tools for the prediction of the effect of amino acid changes on protein structure and function yielded predictions that this variant is damaging. Based on the available information, we are unable to determine the clinical significance of this variant.

Labcorp Genetics (formerly Invitae), Labcorp
Classification: Uncertain significance for Cystic fibrosis. Last evaluated: 2022-07-01. Review status: criteria provided, single submitter. Criteria: Invitae Variant Classification Sherloc (09022015). Collection method: clinical testing. Allele origin: germline.
Comment: This sequence change replaces lysine, which is basic and polar, with glutamine, which is neutral and polar, at codon 1041 of the CFTR protein (p.Lys1041Gln). This variant is present in population databases (rs769448889, gnomAD 0.03%). This variant has not been reported in the literature in individuals affected with CFTR-related conditions. ClinVar contains an entry for this variant (Variation ID: 439492). Algorithms developed to predict the effect of missense changes on protein structure and function are either unavailable or do not agree on the potential impact of this missense change (SIFT: "Deleterious"; PolyPhen-2: "Probably Damaging"; Align-GVGD: "Class C0"). Experimental studies have shown that this missense change affects CFTR function (PMID: 29475947). In summary, the available evidence is currently insufficient to determine the role of this variant in disease. Therefore, it has been classified as a Variant of Uncertain Significance.

Mayo Clinic Laboratories, Mayo Clinic
Classification: Uncertain significance. Last evaluated: 2022-06-21. Review status: criteria provided, single submitter. Criteria: ACMG Guidelines, 2015. Collection method: clinical testing. Allele origin: germline. Observed: 1 variant allele.

Genome-Nilou Lab
Classification: Uncertain significance for Cystic fibrosis. Last evaluated: 2021-09-05. Review status: criteria provided, single submitter. Criteria: ACMG Guidelines, 2015. Collection method: clinical testing. Allele origin: germline. Affected: no.

ARUP Laboratories, Molecular Genetics and Genomics, ARUP Laboratories
Classification: Uncertain significance. Last evaluated: 2017-03-10. Review status: criteria provided, single submitter. Criteria: ARUP Molecular Germline Variant Investigation Process. Collection method: clinical testing. Allele origin: germline.

Eurofins Ntd Llc (ga)
Classification: Uncertain significance. Last evaluated: 2016-12-27. Review status: criteria provided, single submitter. Criteria: EGL Classification Definitions 2015. Collection method: clinical testing. Allele origin: germline. Observed: 1 variant allele, 1 heterozygote.

PreventionGenetics, part of Exact Sciences
Classification: Uncertain significance for CFTR-related condition. Last evaluated: 2024-07-01. Review status: no assertion criteria provided. Collection method: clinical testing. Allele origin: germline. Not counted in ClinVar's aggregate classification.
Comment: The CFTR c.3121A>C variant is predicted to result in the amino acid substitution p.Lys1041Gln. Functional studies of the p.Lys1041Gln variant suggest this variant impacts protein function (Li et al. 2018. PubMed ID: 29475947). This variant is reported in 0.029% of alleles in individuals of Latino descent in gnomAD. At this time, the clinical significance of this variant is uncertain due to the absence of conclusive functional and genetic evidence.

Natera, Inc.
Classification: Uncertain significance for CFTR-related disorders. Last evaluated: 2018-05-12. Review status: no assertion criteria provided. Collection method: clinical testing. Allele origin: germline. Not counted in ClinVar's aggregate classification.

Literature cited by the submitters: PubMed 29475947 (cited by 3 submitters); PubMed 25944907 (cited by Quest Diagnostics Nichols Institute San Juan Capistrano).

NM_000492.4(CFTR):c.3121A>C (p.Lys1041Gln)

Genes: CFTR (CF transmembrane conductance regulator; plus strand), CFTR-AS2 (CFTR antisense RNA 2; minus strand), LOC111674472 (DNase I hypersensitive sites in introns 16 and 17a of CFTR; plus strand). Cytogenetic location: 7q31.2.
Variant type: single nucleotide variant.
Coding change: c.3121A>C on transcript NM_000492.4 (MANE Select); coding-DNA position 3121, A replaced by C.
Protein change: p.Lys1041Gln; replaces lysine 1041 with glutamine.
Molecular consequence: missense variant.
Genome position (GRCh38, 1-based): chr7:117,610,651, A>C. VCF-style: chr7-117610651-A-C. GRCh37 (hg19) VCF-style: chr7-117250705-A-C.
Other names: short protein forms K1041Q.
Identifiers: ClinVar variation 439492 (VCV000439492.31), dbSNP rs769448889, ClinGen allele CA4451379.
Genomic context (GRCh38, chr7:117,610,651, plus strand): 5'-CCAGTGATAGTGGCTTTTATTATGTTGAGAGCATATTTCCTCCAAACCTCACAGCAACTC[A>C]AACAACTGGAATCTGAAGGTATGACAGTGAATGTGCGATACTCATCTTGTAAAAAAGCTA-3'
Protein context (NP_000483.3, residues 1031-1051): AYFLQTSQQL[Lys1041Gln]QLESEGRSPI